The following is an entry in ClinVar:

ClinVar aggregate classification (germline): Likely pathogenic (1 of 4 stars; one submission).

Conditions:
Myopathy caused by variation in POMGNT1. Identifiers: MedGen CN305639, MONDO:0700068.

Submission:

Myriad Genetics, Inc.
Classification: Likely pathogenic for Myopathy caused by variation in POMGNT1. Last evaluated: 2025-04-24. Review status: criteria provided, single submitter. Criteria: Myriad Autosomal Dominant, Autosomal Recessive and X-Linked Classification Criteria (2023). Collection method: clinical testing. Allele origin: unknown.
Comment: NM_017739.3(POMGNT1):c.235+1G>A is a variant in a canonical splice site classified as likely pathogenic in the context of POMGNT1-related disorders. c.235+1G>A has not been observed in cases with relevant disease. Relevant functional assessments of this variant are not available in the literature. c.235+1G>A has not been observed in referenced population frequency databases. In summary, NM_017739.3(POMGNT1):c.235+1G>A is a variant in a canonical splice site in a gene where loss of function is a known mechanism of disease and is predicted to disrupt protein function. Please note: this variant was assessed in the context of healthy population screening.

NM_017739.4(POMGNT1):c.235+1G>A

Gene: POMGNT1 (protein O-linked mannose N-acetylglucosaminyltransferase 1 (beta 1,2-); minus strand). Cytogenetic location: 1p34.1.
Variant type: single nucleotide variant.
Coding change: c.235+1G>A on transcript NM_017739.4 (MANE Select); the canonical splice donor site of the intron after coding-DNA position 235, G replaced by A.
Molecular consequence: splice donor variant.
Genome position (GRCh38, 1-based): chr1:46,196,969, C>T on the plus strand (G>A on the coding strand, the complement: POMGNT1 is on the minus strand). VCF-style: chr1-46196969-C-T. GRCh37 (hg19) VCF-style: chr1-46662641-C-T.
Other names: c.235+1G>A (NM_001243766.2, NM_001438686.1, NM_001438688.1 and 3 more transcripts); c.169+1G>A (NM_001290129.3, NM_001438691.1, NM_001438692.1); c.-195+1G>A (NM_001290130.2).
Identifiers: ClinVar variation 4081769 (VCV004081769.1).
Genomic context (GRCh38, chr1:46,196,969, plus strand): 5'-CTGCCTGCCACTCCAGCTGTGAGATCCAAGGCCCCCTACCCCATCCTTAGCCTAGCCCTA[C>T]CATAGTCTTGCTCTGGCTCTGGGTCTTCATTGGCTTCACTGATGGCTCGCCGAGTGTCCA-3'